The following is an entry in ClinVar:

NM_001928.4(CFD):c.557A>T (p.Asp186Val)

Gene: CFD (complement factor D; plus strand). Cytogenetic location: 19p13.3.
Variant type: single nucleotide variant.
Coding change: c.557A>T on transcript NM_001928.4 (MANE Select); coding-DNA position 557, A replaced by T.
Protein change: p.Asp186Val; replaces aspartic acid 186 with valine.
Molecular consequence: missense variant.
Genome position (GRCh38, 1-based): chr19:861,898, A>T. VCF-style: chr19-861898-A-T. GRCh37 (hg19) VCF-style: chr19-861898-A-T.
Other names: c.578A>T, p.Asp193Val (NM_001317335.2); short protein forms D186V, D193V.
Identifiers: ClinVar variation 2086491 (VCV002086491.1), dbSNP rs755619531, ClinGen allele CA9026395.
Genomic context (GRCh38, chr19:861,898, plus strand): 5'-TGCAGCACGTGCTCTTGCCAGTGCTGGACCGCGCCACCTGCAACCGGCGCACGCACCACG[A>T]CGGCGCCATCACCGAGCGCTTGATGTGCGCGGAGAGCAATCGCCGGGACAGCTGCAAGGT-3'
Protein context (NP_001919.2, residues 176-196): RATCNRRTHH[Asp186Val]GAITERLMCA

ClinVar aggregate classification (germline): Uncertain significance (1 of 4 stars; one submission).

Allele frequency attached by ClinVar (database versions not stated): ExAC 0.00002.

Submission:

Labcorp Genetics (formerly Invitae), Labcorp
Classification: Uncertain significance. Last evaluated: 2022-04-12. Review status: criteria provided, single submitter. Criteria: Invitae Variant Classification Sherloc (09022015). Collection method: clinical testing. Allele origin: germline.
Comment: This sequence change replaces aspartic acid, which is acidic and polar, with valine, which is neutral and non-polar, at codon 186 of the CFD protein (p.Asp186Val). This variant is present in population databases (rs755619531, gnomAD 0.001%). This variant has not been reported in the literature in individuals affected with CFD-related conditions. Algorithms developed to predict the effect of missense changes on protein structure and function are either unavailable or do not agree on the potential impact of this missense change (SIFT: "Not Available"; PolyPhen-2: "Probably Damaging"; Align-GVGD: "Not Available"). In summary, the available evidence is currently insufficient to determine the role of this variant in disease. Therefore, it has been classified as a Variant of Uncertain Significance.